The following is an entry in ClinVar:

ClinVar aggregate classification (germline): Uncertain significance. Review status: criteria provided, multiple submitters, no conflicts (2 of 4 stars). 3 submissions from 3 submitters: Uncertain significance (3). Last evaluated 2025-11-06.

Conditions:
Epidermolysis bullosa simplex 5C, with pyloric atresia (EBS5C). Also called: Epidermolysis bullosa simplex with pyloric atresia; PLEC-Related Epidermolysis Bullosa with Pyloric Atresia; PLEC1-Related Epidermolysis Bullosa with Pyloric Atresia. Identifiers: Orphanet 158684, MedGen C2677349, MONDO:0012807, OMIM 612138.
Epidermolysis bullosa simplex 5B, with muscular dystrophy (EBS5B). Also called: Epidermolysis bullosa simplex with muscular dystrophy; EPIDERMOLYSIS BULLOSA SIMPLEX AND LIMB-GIRDLE MUSCULAR DYSTROPHY. Identifiers: Orphanet 257, MedGen C2931072, MONDO:0009181, OMIM 226670.
Epidermolysis bullosa simplex, Ogna type (EBS5A). Also called: Pidermolysis bullosa simplex 5A, Ogna type; EPIDERMOLYSIS BULLOSA SIMPLEX 5A, OGNA TYPE. Identifiers: Orphanet 79401, MedGen C0432317, MONDO:0007555, OMIM 131950.
Epidermolysis bullosa simplex with nail dystrophy (EBS5D). Identifiers: MedGen C4225309, MONDO:0014661, OMIM 616487.
Autosomal recessive limb-girdle muscular dystrophy type 2Q (LGMDR17). Also called: MUSCULAR DYSTROPHY, LIMB-GIRDLE, AUTOSOMAL RECESSIVE 17. Identifiers: Orphanet 254361, MedGen C3150989, MONDO:0013390, OMIM 613723.

Allele frequency attached by ClinVar (database versions not stated): TOPMed 0.00006; gnomAD exomes 0.00007 and 0.00015; ESP Exome Variant Server 0.00008; gnomAD 0.00008 and 0.00009; ExAC 0.00010.
gnomAD v4.1: 227 of 1,608,946 alleles (0.014%); highest among the groups gnomAD compares: East Asian, 0.047%; 1 homozygote.

Submissions (3):

Labcorp Genetics (formerly Invitae), Labcorp
Classification: Uncertain significance for Autosomal recessive limb-girdle muscular dystrophy type 2Q; Epidermolysis bullosa simplex, Ogna type; Epidermolysis bullosa simplex with nail dystrophy; Epidermolysis bullosa simplex 5C, with pyloric atresia; Epidermolysis bullosa simplex 5B, with muscular dystrophy. Last evaluated: 2025-11-06. Review status: criteria provided, single submitter. Criteria: Invitae Variant Classification Sherloc (09022015). Collection method: clinical testing. Allele origin: germline.
Comment: This sequence change replaces alanine, which is neutral and non-polar, with valine, which is neutral and non-polar, at codon 2313 of the PLEC protein (p.Ala2313Val). This variant is present in population databases (rs199720565, gnomAD 0.03%). This variant has not been reported in the literature in individuals affected with PLEC-related conditions. ClinVar contains an entry for this variant (Variation ID: 656509). An algorithm developed to predict the effect of missense changes on protein structure and function (PolyPhen-2) suggests that this variant is likely to be disruptive. In summary, the available evidence is currently insufficient to determine the role of this variant in disease. Therefore, it has been classified as a Variant of Uncertain Significance.

Mayo Clinic Laboratories, Mayo Clinic
Classification: Uncertain significance. Last evaluated: 2024-01-24. Review status: criteria provided, single submitter. Criteria: ACMG Guidelines, 2015. Collection method: clinical testing. Allele origin: germline. Observed: 1 variant allele.

Revvity Omics, Revvity
Classification: Uncertain significance. Last evaluated: 2021-02-06. Review status: criteria provided, single submitter. Criteria: ACMG Guidelines, 2015. Collection method: clinical testing. Allele origin: germline.

NM_201384.3(PLEC):c.6857C>T (p.Ala2286Val)

Gene: PLEC (plectin; minus strand). Cytogenetic location: 8q24.3.
Variant type: single nucleotide variant.
Coding change: c.6857C>T on transcript NM_201384.3 (MANE Select); coding-DNA position 6857, C replaced by T.
Protein change: p.Ala2286Val; replaces alanine 2286 with valine.
Molecular consequence: missense variant.
Genome position (GRCh38, 1-based): chr8:143,923,072, G>A on the plus strand (C>T on the coding strand, the complement: PLEC is on the minus strand). VCF-style: chr8-143923072-G-A. GRCh37 (hg19) VCF-style: chr8-144997240-G-A.
Other names: p.Ala2313Val; c.6815C>T, p.Ala2272Val (NM_201378.4); c.6791C>T, p.Ala2264Val (NM_201379.3); c.7268C>T, p.Ala2423Val (NM_201380.4); c.6761C>T, p.Ala2254Val (NM_201381.3); c.6857C>T, p.Ala2286Val (NM_201382.4); c.6869C>T, p.Ala2290Val (NM_201383.3); c.6938C>T, p.Ala2313Val (NM_000445.5); short protein forms A2286V, A2290V, A2264V, A2423V, A2254V, A2272V, A2313V.
Identifiers: ClinVar variation 656509 (VCV000656509.11), dbSNP rs199720565, ClinGen allele CA4925828.